The following is an entry in ClinVar:

ClinVar aggregate classification (germline): Uncertain significance (1 of 4 stars; one submission).

Conditions:
Autosomal recessive distal spinal muscular atrophy 1. Also called: HMN VI; NEURONOPATHY, SEVERE INFANTILE AXONAL, WITH RESPIRATORY FAILURE; SEVERE INFANTILE AXONAL NEUROPATHY WITH RESPIRATORY FAILURE; SPINAL MUSCULAR ATROPHY, DIAPHRAGMATIC; Spinal muscular atrophy with respiratory distress 1; NEURONOPATHY, DISTAL HEREDITARY MOTOR, HARDING TYPE VI. Identifiers: Orphanet 98920, MedGen C1858517, MONDO:0011436, OMIM 604320.
Charcot-Marie-Tooth disease axonal type 2S. Also called: CHARCOT-MARIE-TOOTH DISEASE, AXONAL, AUTOSOMAL RECESSIVE, TYPE 2S; CHARCOT-MARIE-TOOTH NEUROPATHY, TYPE 2S. Identifiers: Orphanet 443073, MedGen C4015349, MONDO:0014511, OMIM 616155.

Allele frequency attached by ClinVar (database versions not stated): gnomAD 0.00001 and 0.00002; TOPMed 0.00002.
gnomAD v4.1: 38 of 1,613,826 alleles (0.0024%); highest among the groups gnomAD compares: Non-Finnish European, 0.0031%; no homozygotes.

Submission:

Labcorp Genetics (formerly Invitae), Labcorp
Classification: Uncertain significance for Autosomal recessive distal spinal muscular atrophy 1; Charcot-Marie-Tooth disease axonal type 2S. Last evaluated: 2022-05-27. Review status: criteria provided, single submitter. Criteria: Invitae Variant Classification Sherloc (09022015). Collection method: clinical testing. Allele origin: germline.
Comment: This sequence change replaces glycine, which is neutral and non-polar, with serine, which is neutral and polar, at codon 725 of the IGHMBP2 protein (p.Gly725Ser). This variant is present in population databases (no rsID available, gnomAD 0.002%). This variant has not been reported in the literature in individuals affected with IGHMBP2-related conditions. ClinVar contains an entry for this variant (Variation ID: 1472977). Advanced modeling of protein sequence and biophysical properties (such as structural, functional, and spatial information, amino acid conservation, physicochemical variation, residue mobility, and thermodynamic stability) performed at Invitae indicates that this missense variant is not expected to disrupt IGHMBP2 protein function. In summary, the available evidence is currently insufficient to determine the role of this variant in disease. Therefore, it has been classified as a Variant of Uncertain Significance.

NM_002180.3(IGHMBP2):c.2173G>A (p.Gly725Ser)

Gene: IGHMBP2 (immunoglobulin mu DNA binding protein 2; plus strand). Cytogenetic location: 11q13.3.
Variant type: single nucleotide variant.
Coding change: c.2173G>A on transcript NM_002180.3 (MANE Select); coding-DNA position 2173, G replaced by A.
Protein change: p.Gly725Ser; replaces glycine 725 with serine.
Molecular consequence: missense variant.
Genome position (GRCh38, 1-based): chr11:68,936,653, G>A. VCF-style: chr11-68936653-G-A. GRCh37 (hg19) VCF-style: chr11-68704121-G-A.
Other names: short protein forms G725S.
Identifiers: ClinVar variation 1472977 (VCV001472977.3), dbSNP rs771844457, ClinGen allele CA223413463.
Genomic context (GRCh38, chr11:68,936,653, plus strand): 5'-GAAGCTCCATCTCAGCCCAGCCTCAACGGAGGCAGCCCAGAGGGAGTGGAGAGCCAAGAT[G>A]GCGTGGACCACTTCCGGGCCATGATAGTGGAGTTCATGGCCAGCAAGAAGATGCAGTTGG-3'
Protein context (NP_002171.2, residues 715-735): GSPEGVESQD[Gly725Ser]VDHFRAMIVE